The following is an entry in ClinVar:

ClinVar aggregate classification (germline): Likely benign (1 of 4 stars; one submission).

gnomAD v4.1: 108 of 699,972 alleles (0.015%); highest among the groups gnomAD compares: Admixed American, 0.2%; 3 homozygotes.

Submission:

CeGaT Center for Human Genetics Tuebingen
Classification: Likely benign. Last evaluated: 2025-12-01. Review status: criteria provided, single submitter. Criteria: CeGaT Center For Human Genetics Tuebingen Variant Classification Criteria Version 2. Collection method: clinical testing. Allele origin: germline. Affected: yes. Observed: 1 variant allele.
Comment: CLN6: BP4, BP7

NM_001411068.1(CLN6):c.84A>G (p.Gly28=)

Gene: CLN6 (CLN6 transmembrane ER protein; minus strand). Cytogenetic location: 15q23.
Variant type: single nucleotide variant.
Coding change: c.84A>G on transcript NM_001411068.1; coding-DNA position 84, A replaced by G.
Protein change: p.Gly28=; no amino-acid change (glycine 28 retained).
Molecular consequence: synonymous variant.
Genome position (GRCh38, 1-based): chr15:68,256,785, T>C on the plus strand (A>G on the coding strand, the complement: CLN6 is on the minus strand). VCF-style: chr15-68256785-T-C. GRCh37 (hg19) VCF-style: chr15-68549123-T-C.
Identifiers: ClinVar variation 4681282 (VCV004681282.5).